The following is an entry in ClinVar:

NM_001384140.1(PCDH15):c.2998A>G (p.Thr1000Ala)

Gene: PCDH15 (protocadherin related 15; minus strand). Cytogenetic location: 10q21.1.
Variant type: single nucleotide variant.
Coding change: c.2998A>G on transcript NM_001384140.1 (MANE Select); coding-DNA position 2998, A replaced by G.
Protein change: p.Thr1000Ala; replaces threonine 1000 with alanine.
Molecular consequence: missense variant.
Genome position (GRCh38, 1-based): chr10:53,961,763, T>C on the plus strand (A>G on the coding strand, the complement: PCDH15 is on the minus strand). VCF-style: chr10-53961763-T-C. GRCh37 (hg19) VCF-style: chr10-55721523-T-C.
Other names: c.3013A>G, p.Thr1005Ala (NM_001142763.2, NM_001142771.2); c.2998A>G, p.Thr1000Ala (NM_001142764.2, NM_001354420.2, NM_001354429.2 and 4 more transcripts); c.2785A>G, p.Thr929Ala (NM_001142765.2); c.3019A>G, p.Thr1007Ala (NM_001354411.2); c.2887A>G, p.Thr963Ala (NM_001142767.2); c.2932A>G, p.Thr978Ala (NM_001142768.2, NM_001142773.2, NM_001354404.2); c.3034A>G, p.Thr1012Ala (NM_001142769.4); short protein forms T1000A, T1005A, T1007A, T1012A, T929A, T963A, T978A.
Identifiers: ClinVar variation 5037484 (VCV005037484.1).

ClinVar aggregate classification (germline): Uncertain significance (1 of 4 stars; one submission).

Submission:

GeneDx
Classification: Uncertain significance. Last evaluated: 2026-04-23. Review status: criteria provided, single submitter. Criteria: GeneDx Variant Classification Process June 2021. Collection method: clinical testing. Allele origin: germline.
Comment: Not observed at significant frequency in large population cohorts (gnomAD); In silico analysis supports that this missense variant has a deleterious effect on protein structure/function; Has not been previously published as pathogenic or benign to our knowledge